The following is an entry in ClinVar:

ClinVar aggregate classification (germline): Pathogenic. Review status: criteria provided, multiple submitters, no conflicts (2 of 4 stars). 3 submissions from 3 submitters: Pathogenic (3). Last evaluated 2025-09-11.

Conditions:
Leber congenital amaurosis 1 (LCA1). Also called: RETINAL BLINDNESS, CONGENITAL; AMAUROSIS CONGENITA OF LEBER I; Congenital absence of the rods and cones; Leber's congenital tapetoretinal degeneration; Leber's congenital tapetoretinal dysplasia. Identifiers: Orphanet 65, MedGen C2931258, MONDO:0008764, OMIM 204000.
Cone-rod dystrophy 6 (CORD6). Also called: RETINAL CONE DYSTROPHY 2; Cone dystrophy progressive. Identifiers: Orphanet 1872, MedGen C1866293, MONDO:0011143, OMIM 601777.
GUCY2D-related disorders.
Leber congenital amaurosis (LCA). Also called: Leber's amaurosis. Identifiers: Orphanet 65, MedGen C0339527, MeSH D057130, MONDO:0018998.

Allele frequency attached by ClinVar (database versions not stated): gnomAD exomes below 0.00001 and 0.00002; TOPMed below 0.00001; ExAC 0.00001; gnomAD 0.00001.
gnomAD v4.1: 25 of 1,613,554 alleles (0.0015%); highest among the groups gnomAD compares: East Asian, 0.0022%; no homozygotes.

Submissions (3):

Women's Health and Genetics/Laboratory Corporation of America, LabCorp
Classification: Pathogenic for Leber congenital amaurosis. Last evaluated: 2025-09-11. Review status: criteria provided, single submitter. Criteria: LabCorp Variant Classification Summary - May 2015. Collection method: clinical testing. Allele origin: germline.
Comment: Variant summary: GUCY2D c.2383C>T (p.Arg795Trp) results in a non-conservative amino acid change in the encoded protein sequence. Algorithms developed to predict the effect of missense changes on protein structure and function all suggest that this variant is likely to be disruptive. The variant allele was found at a frequency of 4e-06 in 251014 control chromosomes (gnomAD). c.2383C>T has been observed in individuals affected with Leber congenital amaurosis (Pasadhika_2010, Thompson_2017, Tayebi_2019, Yi_2021). These data indicate that the variant is likely to be associated with disease. Other missense variants affecting this amino acid have been found in association with LCA and determined to be pathogenic/likely pathogenic (c.2384G>A/p.Arg795Gln, c.2384G>T/p.Arg795Leu), supporting the critical relevance of codon 795 to GUCY2D function. The following publications have been ascertained in the context of this evaluation (PMID: 19959640, 29178642, 30820146, 34048777). ClinVar contains an entry for this variant (Variation ID: 1070768). Based on the evidence outlined above, the variant was classified as pathogenic.

Labcorp Genetics (formerly Invitae), Labcorp
Classification: Pathogenic for Leber congenital amaurosis 1; Cone-rod dystrophy 6. Last evaluated: 2024-02-29. Review status: criteria provided, single submitter. Criteria: Invitae Variant Classification Sherloc (09022015). Collection method: clinical testing. Allele origin: germline.
Comment: This sequence change replaces arginine, which is basic and polar, with tryptophan, which is neutral and slightly polar, at codon 795 of the GUCY2D protein (p.Arg795Trp). This variant is present in population databases (rs765910207, gnomAD 0.0009%). This missense change has been observed in individual(s) with Leber congenital amaurosis (PMID: 19959640, 29178642; Invitae). In at least one individual the data is consistent with being in trans (on the opposite chromosome) from a pathogenic variant. ClinVar contains an entry for this variant (Variation ID: 1070768). Advanced modeling of protein sequence and biophysical properties (such as structural, functional, and spatial information, amino acid conservation, physicochemical variation, residue mobility, and thermodynamic stability) performed at Invitae indicates that this missense variant is expected to disrupt GUCY2D protein function with a positive predictive value of 80%. Algorithms developed to predict the effect of sequence changes on RNA splicing suggest that this variant may disrupt the consensus splice site. This variant disrupts the p.Arg795 amino acid residue in GUCY2D. Other variant(s) that disrupt this residue have been determined to be pathogenic (PMID: 17724218, 26352687). This suggests that this residue is clinically significant, and that variants that disrupt this residue are likely to be disease-causing. For these reasons, this variant has been classified as Pathogenic.

Blueprint Genetics
Classification: Pathogenic for GUCY2D-related disorders. Last evaluated: 2022-11-04. Review status: criteria provided, single submitter. Criteria: ACMG Guidelines, 2015. Collection method: clinical testing. Allele origin: germline. Affected: yes. Observed: 3 variant alleles.

Literature cited by the submitters: PubMed 19959640 (cited by Women's Health and Genetics/Laboratory Corporation of America, LabCorp and Labcorp Genetics (formerly Invitae), Labcorp); PubMed 30820146 (cited by Women's Health and Genetics/Laboratory Corporation of America, LabCorp); PubMed 34048777 (cited by Women's Health and Genetics/Laboratory Corporation of America, LabCorp); PubMed 29178642 (cited by Women's Health and Genetics/Laboratory Corporation of America, LabCorp and Labcorp Genetics (formerly Invitae), Labcorp); PubMed 17724218 (cited by Labcorp Genetics (formerly Invitae), Labcorp); PubMed 26352687 (cited by Labcorp Genetics (formerly Invitae), Labcorp).

NM_000180.4(GUCY2D):c.2383C>T (p.Arg795Trp)

Gene: GUCY2D (guanylate cyclase 2D, retinal; plus strand). Cytogenetic location: 17p13.1.
Variant type: single nucleotide variant.
Coding change: c.2383C>T on transcript NM_000180.4 (MANE Select); coding-DNA position 2383, C replaced by T.
Protein change: p.Arg795Trp; replaces arginine 795 with tryptophan.
Molecular consequence: missense variant.
Genome position (GRCh38, 1-based): chr17:8,013,999, C>T. VCF-style: chr17-8013999-C-T. GRCh37 (hg19) VCF-style: chr17-7917317-C-T.
Other names: short protein forms R795W.
Identifiers: ClinVar variation 1070768 (VCV001070768.11), dbSNP rs765910207, ClinGen allele CA8366102.